The following is an entry in ClinVar:

ClinVar aggregate classification (germline): Uncertain significance (1 of 4 stars; one submission).

Conditions:
POLD1-related polyposis and colorectal cancer syndrome (CRCS10). Also called: Colorectal cancer 10; COLORECTAL CANCER, SUSCEPTIBILITY TO, ON CHROMOSOME 19q; Colorectal cancer, susceptibility to, 10. Identifiers: Orphanet 220460, MedGen C2675481, MONDO:0012953, OMIM 612591.

Submission:

Labcorp Genetics (formerly Invitae), Labcorp
Classification: Uncertain significance for POLD1-related polyposis and colorectal cancer syndrome. Last evaluated: 2021-05-18. Review status: criteria provided, single submitter. Criteria: Invitae Variant Classification Sherloc (09022015). Collection method: clinical testing. Allele origin: germline.
Comment: Missense variants that disrupt the 3'-5' exonuclease (proof-reading) activity of the POLD1 protein are associated with an increased risk for colonic adenomatous polyps and colon cancer (PMID: 23263490, 23447401). However, loss-of-function variants that result in an absent or severely disrupted POLD1 protein, and missense variants outside the exonuclease domain, are unlikely to be associated with polyposis or colon cancer. Without further clinical and genetic evidence, this variant has been classified as a Variant of Uncertain Significance. Experimental studies and prediction algorithms are not available or were not evaluated, and the functional significance of this variant is currently unknown. This variant has not been reported in the literature in individuals with POLD1-related conditions. This variant is a gross deletion of the genomic region encompassing exon(s) 18-20 of the POLD1 gene. This deletion is out-of-frame, and is expected to create a premature translational stop signal and result in an absent or disrupted protein product.

Literature cited by the submitters: PubMed 23263490; PubMed 23447401.

NC_000019.9:g.(?_50916673)_(50918257_?)del

Gene: POLD1 (DNA polymerase delta 1, catalytic subunit; plus strand). Cytogenetic location: 19q13.33.
Variant type: Deletion.
Identifiers: ClinVar variation 1446929 (VCV001446929.6).